The following is an entry in ClinVar:

ClinVar aggregate classification (germline): Likely benign. Review status: criteria provided, multiple submitters, no conflicts (2 of 4 stars). 7 submissions from 7 submitters: Likely benign (6). 1 of the submissions does not count toward it. Last evaluated 2026-07-01.

Conditions:
SYNJ1-related disorder. Also called: SYNJ1-related condition.
Developmental and epileptic encephalopathy, 53. Also called: Epileptic encephalopathy, early infantile, 53. Identifiers: MedGen C4479313, MONDO:0033362, OMIM 617389.
Early-onset Parkinson disease 20. Also called: PARKINSON DISEASE 20, AUTOSOMAL RECESSIVE EARLY-ONSET. Identifiers: Orphanet 391411, MedGen C3809824, MONDO:0014233, OMIM 615530.
Inborn genetic diseases. Identifiers: MedGen C0950123, MeSH D030342.

Allele frequency attached by ClinVar (database versions not stated): gnomAD exomes 0.00027 and 0.00059; ExAC 0.00066; ESP Exome Variant Server 0.00208; 1000 Genomes Project 30x 0.00219; 1000 Genomes Project 0.00240; gnomAD 0.00244 and 0.00255; TOPMed 0.00281.

Submissions (7):

CeGaT Center for Human Genetics Tuebingen
Classification: Likely benign. Last evaluated: 2026-07-01. Review status: criteria provided, single submitter. Criteria: CeGaT Center For Human Genetics Tuebingen Variant Classification Criteria Version 2. Collection method: clinical testing. Allele origin: germline. Affected: yes. Observed: 5 variant alleles.
Comment: SYNJ1: BP4, BS2

Labcorp Genetics (formerly Invitae), Labcorp
Classification: Likely benign for Developmental and epileptic encephalopathy, 53; Early-onset Parkinson disease 20. Last evaluated: 2026-02-03. Review status: criteria provided, single submitter. Criteria: Invitae Variant Classification Sherloc (09022015). Collection method: clinical testing. Allele origin: germline.

Blueprint Genetics
Classification: Likely benign. Last evaluated: 2024-11-06. Review status: criteria provided, single submitter. Criteria: ACMG Guidelines, 2015. Collection method: clinical testing. Allele origin: germline.

Ambry Genetics
Classification: Likely benign for Inborn genetic diseases. Last evaluated: 2022-01-31. Review status: criteria provided, single submitter. Criteria: Ambry Variant Classification Scheme 2023. Collection method: clinical testing. Allele origin: germline.

GeneDx
Classification: Likely benign. Last evaluated: 2021-01-18. Review status: criteria provided, single submitter. Criteria: GeneDx Variant Classification Process June 2021. Collection method: clinical testing. Allele origin: germline. Affected: yes.
Comment: This variant is associated with the following publications: (PMID: 32557143, 27393345)

Athena Diagnostics
Classification: Likely benign. Last evaluated: 2019-03-05. Review status: criteria provided, single submitter. Criteria: Athena Diagnostics Criteria. Collection method: clinical testing. Allele origin: germline.

PreventionGenetics, part of Exact Sciences
Classification: Likely benign for SYNJ1-related condition. Last evaluated: 2022-06-27. Review status: no assertion criteria provided. Collection method: clinical testing. Allele origin: germline. Not counted in ClinVar's aggregate classification.
Comment: This variant is classified as likely benign based on ACMG/AMP sequence variant interpretation guidelines (Richards et al. 2015 PMID: 25741868, with internal and published modifications).

Literature cited by the submitters: PubMed 27393345 (cited by Athena Diagnostics).

NM_203446.3(SYNJ1):c.1030G>A (p.Ala344Thr)

Gene: SYNJ1 (synaptojanin 1; minus strand). Cytogenetic location: 21q22.11.
Variant type: single nucleotide variant.
Coding change: c.1030G>A on transcript NM_203446.3 (MANE Select); coding-DNA position 1030, G replaced by A.
Protein change: p.Ala344Thr; replaces alanine 344 with threonine.
Molecular consequence: missense variant.
Genome position (GRCh38, 1-based): chr21:32,685,836, C>T on the plus strand (G>A on the coding strand, the complement: SYNJ1 is on the minus strand). VCF-style: chr21-32685836-C-T. GRCh37 (hg19) VCF-style: chr21-34058146-C-T.
Other names: c.1030G>A, p.Ala344Thr (NM_001160302.2, NM_001160306.2); c.1147G>A, p.Ala383Thr (NM_003895.4); short protein forms A383T, A344T.
Identifiers: ClinVar variation 478324 (VCV000478324.42), dbSNP rs114942253, ClinGen allele CA10003981.